The following is an entry in ClinVar:

NM_004304.5(ALK):c.2711A>G (p.His904Arg)

Gene: ALK (ALK receptor tyrosine kinase; minus strand). Cytogenetic location: 2p23.2.
Variant type: single nucleotide variant.
Coding change: c.2711A>G on transcript NM_004304.5 (MANE Select); coding-DNA position 2711, A replaced by G.
Protein change: p.His904Arg; replaces histidine 904 with arginine.
Molecular consequence: missense variant.
Genome position (GRCh38, 1-based): chr2:29,228,988, T>C on the plus strand (A>G on the coding strand, the complement: ALK is on the minus strand). VCF-style: chr2-29228988-T-C. GRCh37 (hg19) VCF-style: chr2-29451854-T-C.
Other names: short protein forms H904R.
Identifiers: ClinVar variation 3854830 (VCV003854830.1).

ClinVar aggregate classification (germline): Uncertain significance (1 of 4 stars; one submission).

Conditions:
Hereditary cancer-predisposing syndrome. Also called: Hereditary neoplastic syndrome; Neoplastic Syndromes, Hereditary; Tumor predisposition; Hereditary Cancer Syndrome. Identifiers: Orphanet 140162, MedGen C0027672, MeSH D009386, MONDO:0015356.

Submission:

Ambry Genetics
Classification: Uncertain significance for Hereditary cancer-predisposing syndrome. Last evaluated: 2025-03-14. Review status: criteria provided, single submitter. Criteria: Ambry Variant Classification Scheme 2023. Collection method: clinical testing. Allele origin: germline.
Comment: The p.H904R variant (also known as c.2711A>G), located in coding exon 16 of the ALK gene, results from an A to G substitution at nucleotide position 2711. The histidine at codon 904 is replaced by arginine, an amino acid with highly similar properties. This amino acid position is conserved. In addition, this alteration is predicted to be tolerated by in silico analysis. Based on the available evidence, the clinical significance of this variant remains unclear.